The following is an entry in ClinVar:

ClinVar aggregate classification (germline): Likely benign. Review status: criteria provided, multiple submitters, no conflicts (2 of 4 stars). 2 submissions from 2 submitters: Likely benign (2). Last evaluated 2018-06-16.

Allele frequency attached by ClinVar (database versions not stated): TOPMed 0.02178; 1000 Genomes Project 30x 0.02249; 1000 Genomes Project 0.02296.
gnomAD v4.1: 42,180 of 1,483,486 alleles (2.8%); highest among the groups gnomAD compares: Middle Eastern, 8.5%; 878 homozygotes.

Submissions (2):

GeneDx
Classification: Likely benign. Last evaluated: 2018-06-16. Review status: criteria provided, single submitter. Criteria: GeneDx Variant Classification (06012015). Collection method: clinical testing. Allele origin: germline. Affected: yes.
Comment: This variant is considered likely benign or benign based on one or more of the following criteria: it is a conservative change, it occurs at a poorly conserved position in the protein, it is predicted to be benign by multiple in silico algorithms, and/or has population frequency not consistent with disease.

Breakthrough Genomics
Classification: Likely benign. Review status: criteria provided, single submitter. Criteria: ACMG Guidelines, 2015. Collection method: not provided. Allele origin: germline. Inheritance: Autosomal recessive inheritance. Affected: yes.

NM_001384474.1(LOXHD1):c.3350+92G>A

Gene: LOXHD1 (lipoxygenase homology PLAT domains 1; minus strand). Cytogenetic location: 18q21.1.
Variant type: single nucleotide variant.
Coding change: c.3350+92G>A on transcript NM_001384474.1 (MANE Select); 92 bases into the intron after coding-DNA position 3350, G replaced by A.
Molecular consequence: intron variant.
Genome position (GRCh38, 1-based): chr18:46,557,264, C>T on the plus strand (G>A on the coding strand, the complement: LOXHD1 is on the minus strand). VCF-style: chr18-46557264-C-T. GRCh37 (hg19) VCF-style: chr18-44137227-C-T.
Other names: c.17+92G>A (NM_001145472.3); c.3350+92G>A (NM_144612.7).
Identifiers: ClinVar variation 682775 (VCV000682775.2), dbSNP rs139052361, ClinGen allele CA299792917.